The following is an entry in ClinVar:

NM_133433.4(NIPBL):c.3540A>G (p.Lys1180=)

Gene: NIPBL (NIPBL cohesin loading factor; plus strand). Cytogenetic location: 5p13.2.
Variant type: single nucleotide variant.
Coding change: c.3540A>G on transcript NM_133433.4 (MANE Select); coding-DNA position 3540, A replaced by G.
Protein change: p.Lys1180=; no amino-acid change (lysine 1180 retained).
Molecular consequence: synonymous variant.
Genome position (GRCh38, 1-based): chr5:37,000,854, A>G. VCF-style: chr5-37000854-A-G. GRCh37 (hg19) VCF-style: chr5-37000956-A-G.
Other names: c.3540A>G, p.Lys1180= (NM_015384.5).
Identifiers: ClinVar variation 3045452 (VCV003045452.2), dbSNP rs2478085944, ClinGen allele CA443904512.
Genomic context (GRCh38, chr5:37,000,854, plus strand): 5'-GTACTTCTTTTTGTTCGTTTTAGTTGCTAGGAAAATGAAGAAAAAAGAAAAACAGAAGAA[A>G]AGGAAAGCATATGAACCAAAACTAACACCTGAAGGTAACACGTTAGTTTATTTAATTTGT-3'
Protein context (NP_597677.2, residues 1170-1190): RKMKKKEKQK[Lys1180=]RKAYEPKLTP

ClinVar aggregate classification (germline): Likely benign (0 of 4 stars; one submission).

Conditions:
NIPBL-related disorder. Also called: NIPBL-related condition.

Submission:

PreventionGenetics, part of Exact Sciences
Classification: Likely benign for NIPBL-related condition. Last evaluated: 2023-04-11. Review status: no assertion criteria provided. Collection method: clinical testing. Allele origin: germline.
Comment: This variant is classified as likely benign based on ACMG/AMP sequence variant interpretation guidelines (Richards et al. 2015 PMID: 25741868, with internal and published modifications).